The following is an entry in ClinVar:

NM_144573.4(NEXN):c.494G>C (p.Gly165Ala)

Gene: NEXN (nexilin F-actin binding protein; plus strand). Cytogenetic location: 1p31.1.
Variant type: single nucleotide variant.
Coding change: c.494G>C on transcript NM_144573.4 (MANE Select); coding-DNA position 494, G replaced by C.
Protein change: p.Gly165Ala; replaces glycine 165 with alanine.
Molecular consequence: missense variant.
Genome position (GRCh38, 1-based): chr1:77,926,418, G>C. VCF-style: chr1-77926418-G-C. GRCh37 (hg19) VCF-style: chr1-78392103-G-C.
Other names: c.302G>C, p.Gly101Ala (NM_001172309.2); short protein forms G101A, G165A.
Identifiers: ClinVar variation 1744324 (VCV001744324.2), dbSNP rs2523204723, ClinGen allele CA340872059.

ClinVar aggregate classification (germline): Uncertain significance (1 of 4 stars; one submission).

Conditions:
Cardiovascular phenotype. Identifiers: MedGen CN230736.

gnomAD v4.1: 1 of 1,588,900 alleles (0.000063%); no homozygotes.

Submission:

Ambry Genetics
Classification: Uncertain significance for Cardiovascular phenotype. Last evaluated: 2021-08-19. Review status: criteria provided, single submitter. Criteria: Ambry Variant Classification Scheme 2023. Collection method: clinical testing. Allele origin: germline.
Comment: The p.G165A variant (also known as c.494G>C), located in coding exon 6 of the NEXN gene, results from a G to C substitution at nucleotide position 494. The glycine at codon 165 is replaced by alanine, an amino acid with similar properties. This amino acid position is conserved. In addition, the in silico prediction for this alteration is inconclusive. Since supporting evidence is limited at this time, the clinical significance of this alteration remains unclear.